The following is an entry in ClinVar:

ClinVar aggregate classification (germline): Conflicting classifications of pathogenicity. Review status: criteria provided, conflicting classifications (1 of 4 stars). 13 submissions from 13 submitters: Uncertain significance (4); Benign (1); Likely benign (5). 3 of the submissions do not count toward it. Last evaluated 2026-04-23.

Conditions:
VPS13B-related disorder. Also called: VPS13B-related condition.
Inborn genetic diseases. Identifiers: MedGen C0950123, MeSH D030342.
Cohen syndrome (COH1). Also called: PEPPER SYNDROME; Cutis verticis gyrata, retinitis pigmentosa, and sensorineural deafness. Identifiers: Orphanet 193, MedGen C0265223, MONDO:0008999, OMIM 216550.

Allele frequency attached by ClinVar (database versions not stated): gnomAD exomes 0.00037 and 0.00056; gnomAD 0.00046 and 0.00050; ExAC 0.00055; TOPMed 0.00045; ESP Exome Variant Server 0.00077.
gnomAD v4.1: 642 of 1,613,088 alleles (0.04%); highest among the groups gnomAD compares: Non-Finnish European, 0.026%; 1 homozygote.

Submissions (13):

PreventionGenetics, part of Exact Sciences
Classification: Benign for VPS13B-related condition. Last evaluated: 2026-04-23. Review status: criteria provided, single submitter. Criteria: ACMG Guidelines, 2015. Collection method: clinical testing. Allele origin: germline.
Comment: This variant is classified as benign based on ACMG/AMP sequence variant interpretation guidelines (Richards et al. 2015 PMID: 25741868, with internal and published modifications).

Labcorp Genetics (formerly Invitae), Labcorp
Classification: Likely benign for Cohen syndrome. Last evaluated: 2026-02-02. Review status: criteria provided, single submitter. Criteria: Invitae Variant Classification Sherloc (09022015). Collection method: clinical testing. Allele origin: germline.

Mayo Clinic Laboratories, Mayo Clinic
Classification: Likely benign. Last evaluated: 2025-08-26. Review status: criteria provided, single submitter. Criteria: ACMG Guidelines, 2015. Collection method: clinical testing. Allele origin: germline. Observed: 3 variant alleles.
Comment: BS1, BP4_moderate

CeGaT Center for Human Genetics Tuebingen
Classification: Likely benign. Last evaluated: 2025-05-01. Review status: criteria provided, single submitter. Criteria: CeGaT Center For Human Genetics Tuebingen Variant Classification Criteria Version 2. Collection method: clinical testing. Allele origin: germline. Affected: yes. Observed: 6 variant alleles.
Comment: VPS13B: BP4, BS2

Blueprint Genetics
Classification: Likely benign. Last evaluated: 2024-11-25. Review status: criteria provided, single submitter. Criteria: ACMG Guidelines, 2015. Collection method: clinical testing. Allele origin: germline.

Ambry Genetics
Classification: Likely benign for Inborn genetic diseases. Last evaluated: 2022-01-25. Review status: criteria provided, single submitter. Criteria: Ambry Variant Classification Scheme 2023. Collection method: clinical testing. Allele origin: germline.

Department of Pathology and Laboratory Medicine, Sinai Health System
Classification: Uncertain significance for Cohen syndrome. Last evaluated: 2021-07-30. Review status: criteria provided, single submitter. Criteria: ACMG Guidelines, 2015. Collection method: research. Allele origin: germline.

Illumina Laboratory Services, Illumina
Classification: Uncertain significance for Cohen syndrome. Last evaluated: 2018-01-12. Review status: criteria provided, single submitter. Criteria: ICSL Variant Classification Criteria 13 December 2019. Collection method: clinical testing. Allele origin: germline.

Genetic Services Laboratory, University of Chicago
Classification: Uncertain significance. Last evaluated: 2016-02-16. Review status: criteria provided, single submitter. Criteria: ACMG Guidelines, 2015. Collection method: clinical testing. Allele origin: germline. Affected: no.

Eurofins Ntd Llc (ga)
Classification: Uncertain significance. Last evaluated: 2013-06-04. Review status: criteria provided, single submitter. Criteria: EGL Classification Definitions 2015. Collection method: clinical testing. Allele origin: germline. Observed: 2 variant alleles, 2 heterozygotes.

Natera, Inc.
Classification: Benign for Cohen syndrome. Last evaluated: 2019-12-31. Review status: no assertion criteria provided. Collection method: clinical testing. Allele origin: germline. Not counted in ClinVar's aggregate classification.

Clinical Genetics, Academic Medical Center
Classification: Likely benign. Review status: no assertion criteria provided. Collection method: clinical testing. Allele origin: germline. Affected: yes. Study: VKGL Data-share Consensus. Not counted in ClinVar's aggregate classification.

Laboratory of Diagnostic Genome Analysis, Leiden University Medical Center (LUMC)
Classification: Likely benign. Review status: no assertion criteria provided. Collection method: clinical testing. Allele origin: germline. Affected: yes. Study: VKGL Data-share Consensus. Not counted in ClinVar's aggregate classification.

NM_152564.5(VPS13B):c.1463C>T (p.Thr488Met)

Gene: VPS13B (vacuolar protein sorting 13 homolog B; plus strand). Cytogenetic location: 8q22.2.
Variant type: single nucleotide variant.
Coding change: c.1463C>T on transcript NM_152564.5 (MANE Select); coding-DNA position 1463, C replaced by T.
Protein change: p.Thr488Met; replaces threonine 488 with methionine.
Molecular consequence: missense variant.
Genome position (GRCh38, 1-based): chr8:99,135,633, C>T. VCF-style: chr8-99135633-C-T. GRCh37 (hg19) VCF-style: chr8-100147861-C-T.
Other names: c.1463C>T (NM_152564.4, NM_017890.3); c.1463C>T, p.Thr488Met (NM_015243.3, NM_017890.5); short protein forms T488M.
Identifiers: ClinVar variation 95832 (VCV000095832.53), dbSNP rs150783688, ClinGen allele CA223371.
Genomic context (GRCh38, chr8:99,135,633, plus strand): 5'-ATAAATTTTGCATTTGTTTTCAGGAAGCCTGTTTCTTCATTTGTGGTGACAATTTGAGTA[C>T]GAAAGGTTTCACATACCTTACAAATTCATTGTTTGATTACCGAAGCCCAGAAAATAATGG-3'
Protein context (NP_689777.3, residues 478-498): CFFICGDNLS[Thr488Met]KGFTYLTNSL